The following is an entry in ClinVar:

ClinVar aggregate classification (germline): Pathogenic/Likely pathogenic. Review status: criteria provided, multiple submitters, no conflicts (2 of 4 stars). 3 submissions from 3 submitters: Pathogenic (2); Likely pathogenic (1). Last evaluated 2025-08-11.

Conditions:
Pheochromocytoma/paraganglioma syndrome 4. Also called: PARAGANGLIOMA, FAMILIAL MALIGNANT; PARAGANGLIOMAS, HEREDITARY EXTRAADRENAL; PHEOCHROMOCYTOMA, FAMILIAL EXTRAADRENAL; Paragangliomas 4; CAROTID BODY TUMORS AND MULTIPLE EXTRAADRENAL PHEOCHROMOCYTOMAS; SDHB-Related Hereditary Paraganglioma-Pheochromocytoma Syndrome (Paragangliomas 4). Identifiers: Orphanet 29072, MedGen C1861848, MONDO:0007273, OMIM 115310.
Gastrointestinal stromal tumor. Also called: Gastrointestinal stroma tumor; Gastrointestinal stromal tumor, somatic. Identifiers: Orphanet 44890, MedGen C0238198, MeSH D046152, MONDO:0011719, OMIM 606764, HP:0100723.
Pheochromocytoma. Also called: MAX-Related Hereditary Paraganglioma-Pheochromocytoma Syndrome. Identifiers: Orphanet 29072, MedGen C0031511, MONDO:0008233, OMIM 171300, HP:0002666.

Allele frequency attached by ClinVar (database versions not stated): gnomAD exomes below 0.00001; ExAC 0.00001.
gnomAD v4.1: 1 of 1,613,486 alleles (0.000062%); highest among the groups gnomAD compares: Non-Finnish European, 0.000085%; no homozygotes.

Submissions (3):

GeneDx
Classification: Likely pathogenic. Last evaluated: 2025-08-11. Review status: criteria provided, single submitter. Criteria: GeneDx Variant Classification Process June 2021. Collection method: clinical testing. Allele origin: germline. Affected: yes.
Comment: Not observed at significant frequency in large population cohorts (gnomAD); In silico analysis supports that this missense variant has a deleterious effect on protein structure/function; This variant is associated with the following publications: (PMID: 34906457, 30877234, 19576851, 33726816)

3billion
Classification: Pathogenic for Pheochromocytoma/paraganglioma syndrome 4. Last evaluated: 2024-01-30. Review status: criteria provided, single submitter. Criteria: ACMG Guidelines, 2015. Collection method: clinical testing. Allele origin: germline. Affected: yes.
Comment: The variant is observed at an extremely low frequency in the gnomAD v2.1.1 dataset (total allele frequency: <0.001%). Predicted Consequence/Location: Missense variant In silico tool predictions suggest damaging effect of the variant on gene or gene product [REVEL: 0.97 (>=0.6, sensitivity 0.68 and specificity 0.92); 3Cnet: 0.98 (>=0.6, sensitivity 0.72 and precision 0.9)]. Same nucleotide change resulting in same amino acid change has been previously reported as pathogenic/likely pathogenic with strong evidence (ClinVar ID: VCV000419507). The variant has been observed in at least two similarly affected unrelated individuals (PMID: 18753105, 19454582). Different missense changes at the same codon (p.Arg217Cys, p.Arg217His, p.Arg217Leu) have been reported as pathogenic/likely pathogenic with strong evidence (ClinVar ID: VCV000183735, VCV000412491, VCV000967921 /PMID: 19351833, 19454582, 31492822). Therefore, this variant is classified as Pathogenic according to the recommendation of ACMG/AMP guideline.

Labcorp Genetics (formerly Invitae), Labcorp
Classification: Pathogenic for Gastrointestinal stromal tumor; Pheochromocytoma/paraganglioma syndrome 4; Pheochromocytoma. Last evaluated: 2021-03-04. Review status: criteria provided, single submitter. Criteria: Invitae Variant Classification Sherloc (09022015). Collection method: clinical testing. Allele origin: germline.
Comment: This sequence change replaces arginine with glycine at codon 217 of the SDHB protein (p.Arg217Gly). The arginine residue is highly conserved and there is a moderate physicochemical difference between arginine and glycine. This variant is present in population databases (rs200245469, ExAC 0.002%). This variant has been reported in an individual affected with clinical features of hereditary paraganglioma-pheochromocytoma syndrome (PMID: 19576851, 30877234). ClinVar contains an entry for this variant (Variation ID: 419507). Advanced modeling of protein sequence and biophysical properties (such as structural, functional, and spatial information, amino acid conservation, physicochemical variation, residue mobility, and thermodynamic stability) performed at Invitae indicates that this missense variant is expected to disrupt SDHB protein function. A different missense substitution at this codon (p.Arg217Cys) has been reported in the literature in many unrelated individuals affected with hereditary pheochromocytoma (PCC) and /or paraganglioma (PGL) (PMID: 18753105, 19351833, 19454582, 19802898, 23735539). This suggests that the arginine residue is critical for SDHB protein function and that other missense substitutions at this position may also be damaging. For these reasons, this variant has been classified as Pathogenic.

Literature cited by the submitters: PubMed 18753105 (cited by 3billion and Labcorp Genetics (formerly Invitae), Labcorp); PubMed 19351833 (cited by 3billion and Labcorp Genetics (formerly Invitae), Labcorp); PubMed 19454582 (cited by 3billion and Labcorp Genetics (formerly Invitae), Labcorp); PubMed 19576851 (cited by Labcorp Genetics (formerly Invitae), Labcorp); PubMed 30877234 (cited by Labcorp Genetics (formerly Invitae), Labcorp); PubMed 19802898 (cited by Labcorp Genetics (formerly Invitae), Labcorp); PubMed 23735539 (cited by Labcorp Genetics (formerly Invitae), Labcorp).

NM_003000.3(SDHB):c.649C>G (p.Arg217Gly)

Gene: SDHB (succinate dehydrogenase complex iron sulfur subunit B; minus strand). Cytogenetic location: 1p36.13.
Variant type: single nucleotide variant.
Coding change: c.649C>G on transcript NM_003000.3 (MANE Select); coding-DNA position 649, C replaced by G.
Protein change: p.Arg217Gly; replaces arginine 217 with glycine.
Molecular consequence: missense variant.
Genome position (GRCh38, 1-based): chr1:17,022,724, G>C on the plus strand (C>G on the coding strand, the complement: SDHB is on the minus strand). VCF-style: chr1-17022724-G-C. GRCh37 (hg19) VCF-style: chr1-17349219-G-C.
Other names: short protein forms R217G.
Identifiers: ClinVar variation 419507 (VCV000419507.9), dbSNP rs200245469, ClinGen allele CA089702.